The following is an entry in ClinVar:

NM_015057.5(MYCBP2):c.7816T>A (p.Cys2606Ser)

Gene: MYCBP2 (MYC binding protein 2; minus strand). Cytogenetic location: 13q22.3.
Variant type: single nucleotide variant.
Coding change: c.7816T>A on transcript NM_015057.5 (MANE Select); coding-DNA position 7816, T replaced by A.
Protein change: p.Cys2606Ser; replaces cysteine 2606 with serine.
Molecular consequence: missense variant.
Genome position (GRCh38, 1-based): chr13:77,126,386, A>T on the plus strand (T>A on the coding strand, the complement: MYCBP2 is on the minus strand). VCF-style: chr13-77126386-A-T. GRCh37 (hg19) VCF-style: chr13-77700521-A-T.
Other names: short protein forms C2606S.
Identifiers: ClinVar variation 3383611 (VCV003383611.1).

ClinVar aggregate classification (germline): Uncertain significance (1 of 4 stars; one submission).

Submission:

GeneDx
Classification: Uncertain significance. Last evaluated: 2024-05-28. Review status: criteria provided, single submitter. Criteria: GeneDx Variant Classification Process June 2021. Collection method: clinical testing. Allele origin: germline. Affected: yes.
Comment: Not observed at significant frequency in large population cohorts (gnomAD); In silico analysis indicates that this missense variant does not alter protein structure/function; Has not been previously published as pathogenic or benign to our knowledge